The following is an entry in ClinVar:

NM_172250.3(MMAA):c.282_287del (p.Ile94_Gly96delinsMet)

Gene: MMAA (metabolism of cobalamin associated A; plus strand). Cytogenetic location: 4q31.21.
Variant type: Deletion.
Coding change: c.282_287del on transcript NM_172250.3 (MANE Select); coding-DNA positions 282 to 287, 6 bases deleted (CCAAGG; older notation c.282_287delCCAAGG).
Protein change: p.Ile94_Gly96delinsMet.
Molecular consequence: inframe indel.
Genome position (GRCh38, 1-based): chr4:145,639,421-145,639,426, CCAAGG deleted. VCF-style (leftmost placement, unchanged base first): chr4-145639420-TCCAAGG-T. GRCh37 (hg19) VCF-style: chr4-146560572-TCCAAGG-T.
Other names: c.282_287del, p.Ile94_Gly96delinsMet (NM_001375644.1).
Identifiers: ClinVar variation 2506383 (VCV002506383.2), dbSNP rs2546335733, ClinGen allele CA2580616781.

ClinVar aggregate classification (germline): Uncertain significance (0 of 4 stars; one submission).

Conditions:
Methylmalonic aciduria, cblA type (MACA). Also called: Vitamin B12-responsive methylmalonic acidemia type cblA; Methylmalonic aciduria, vitamin b12-responsive, due to defect in synthesis of adenosylcobalamin, cbla complementation type; MMA cbl A type; Methylmalonic acidemia cblA type; Methylmalonic aciduria, vitamin B12-responsive. Identifiers: Orphanet 28, Orphanet 79310, MedGen C1855109, MONDO:0009613, OMIM 251100.

Submission:

Clinical Genetics, Synlab MVZ Humangenetik Freiburg
Classification: Uncertain significance for Methylmalonic aciduria, cblA type. Last evaluated: 2023-03-02. Review status: no assertion criteria provided. Collection method: clinical testing. Allele origin: germline. Inheritance: Autosomal recessive inheritance. Affected: yes.
Comment: The variant has not previously been described as pathogenic (HGMD Professional 2022.4) and is not listed in control databases (dbSNP, gnomAD v2.1.1). The in silico prediction program MutationTaster evaluates the influence of the p.I94_G96delinsM change as deleterious. For the MMAA gene, the inframe deletions c.298_312del15, p.C100_A104del, and c.662_664delCAA, p.T221del have already been described as pathogenic (including Plessl et al. 2017 and Cosson et al. 2009, HGMD). We evaluate the MMAA variant c.282_287del, p.I94_G96delinsM, as a variant of unclear significance (VUS).